The following is an entry in ClinVar:

ClinVar aggregate classification (germline): Likely benign. Review status: criteria provided, single submitter (1 of 4 stars). 2 submissions from 2 submitters: Likely benign (1). 1 of the submissions does not count toward it. Last evaluated 2023-04-20.

Conditions:
CHRNA4-related disorder. Also called: CHRNA4-related condition.
Familial sleep-related hypermotor epilepsy. Also called: Autosomal Dominant Sleep-Related Hypermotor (Hyperkinetic) Epilepsy. Identifiers: Orphanet 98784, MedGen C3696898, MONDO:0000030.

Submissions (2):

Labcorp Genetics (formerly Invitae), Labcorp
Classification: Likely benign. Last evaluated: 2023-04-20. Review status: criteria provided, single submitter. Criteria: Invitae Variant Classification Sherloc (09022015). Collection method: clinical testing. Allele origin: germline.

PreventionGenetics, part of Exact Sciences
Classification: Likely benign for CHRNA4-related condition. Last evaluated: 2022-11-10. Review status: no assertion criteria provided. Collection method: clinical testing. Allele origin: germline. Not counted in ClinVar's aggregate classification.
Comment: This variant is classified as likely benign based on ACMG/AMP sequence variant interpretation guidelines (Richards et al. 2015 PMID: 25741868, with internal and published modifications).

NM_000744.7(CHRNA4):c.273+9G>A

Genes: CHRNA4 (cholinergic receptor nicotinic alpha 4 subunit; minus strand), LOC126863087 (P300/CBP strongly-dependent group 1 enhancer GRCh37_chr20:61986832-61988031; plus strand). Cytogenetic location: 20q13.33.
Variant type: single nucleotide variant.
Coding change: c.273+9G>A on transcript NM_000744.7 (MANE Select); 9 bases into the intron after coding-DNA position 273, G replaced by A.
Molecular consequence: intron variant.
Genome position (GRCh38, 1-based): chr20:63,356,362, C>T on the plus strand (G>A on the coding strand, the complement: CHRNA4 is on the minus strand). VCF-style: chr20-63356362-C-T. GRCh37 (hg19) VCF-style: chr20-61987714-C-T.
Other names: c.-274+9G>A (NM_001256573.2); c.273+9G>A (NM_000744.6).
Identifiers: ClinVar variation 2857877 (VCV002857877.5), dbSNP rs1368110158, ClinGen allele CA2577453213.